The following is an entry in ClinVar:

ClinVar aggregate classification (germline): Uncertain significance (1 of 4 stars; one submission).

Conditions:
Neuropathy, hereditary sensory and autonomic, type 2A (HSAN2A). Also called: MORVAN DISEASE; NEUROPATHY, CONGENITAL SENSORY; NEUROPATHY, HEREDITARY SENSORY RADICULAR, AUTOSOMAL RECESSIVE; NEUROPATHY, HEREDITARY SENSORY, TYPE IIA; NEUROPATHY, PROGRESSIVE SENSORY, OF CHILDREN; WNK1-Related HSAN2 (HSAN2A). Identifiers: Orphanet 970, MedGen C2752089, MONDO:0024309, OMIM 201300.
Generalized epilepsy with febrile seizures plus, type 7 (GEFSP7). Also called: GEFS+, TYPE 7. Identifiers: Orphanet 36387, MedGen C2751778, MONDO:0013470, OMIM 613863.

Allele frequency attached by ClinVar (database versions not stated): gnomAD exomes below 0.00001.

Submission:

Labcorp Genetics (formerly Invitae), Labcorp
Classification: Uncertain significance for Neuropathy, hereditary sensory and autonomic, type 2A; Generalized epilepsy with febrile seizures plus, type 7. Last evaluated: 2021-11-27. Review status: criteria provided, single submitter. Criteria: Invitae Variant Classification Sherloc (09022015). Collection method: clinical testing. Allele origin: germline.
Comment: This variant is not present in population databases (gnomAD no frequency). In summary, the available evidence is currently insufficient to determine the role of this variant in disease. Therefore, it has been classified as a Variant of Uncertain Significance. Algorithms developed to predict the effect of missense changes on protein structure and function (SIFT, PolyPhen-2, Align-GVGD) all suggest that this variant is likely to be disruptive. ClinVar contains an entry for this variant (Variation ID: 652656). This variant has not been reported in the literature in individuals affected with SCN9A-related conditions. This sequence change replaces glycine, which is neutral and non-polar, with aspartic acid, which is acidic and polar, at codon 541 of the SCN9A protein (p.Gly541Asp).

NM_001365536.1(SCN9A):c.1622G>A (p.Gly541Asp)

Genes: SCN1A-AS1 (SCN1A and SCN9A antisense RNA 1; plus strand), SCN9A (sodium voltage-gated channel alpha subunit 9; minus strand). Cytogenetic location: 2q24.3.
Variant type: single nucleotide variant.
Coding change: c.1622G>A on transcript NM_001365536.1 (MANE Select); coding-DNA position 1622, G replaced by A.
Protein change: p.Gly541Asp; replaces glycine 541 with aspartic acid.
Molecular consequence: missense variant.
Genome position (GRCh38, 1-based): chr2:166,284,805, C>T on the plus strand (G>A on the coding strand, the complement: SCN9A is on the minus strand). VCF-style: chr2-166284805-C-T. GRCh37 (hg19) VCF-style: chr2-167141315-C-T.
Other names: c.1622G>A, p.Gly541Asp (NM_002977.4); short protein forms G541D.
Identifiers: ClinVar variation 652656 (VCV000652656.7), dbSNP rs545101943, ClinGen allele CA349083941.
Genomic context (GRCh38, chr2:166,284,805, plus strand): 5'-CCTCTGCCTTTGAAACTAAAAAGACTTGTTCTGCTGCTTCGCCTTGCAGAAAACAAGGAG[C>T]CACGAATGCTGAGTGGTGACTGCAGAAAAATTAAAAAAAACGTGGTTGCTGAAGCACCTA-3'
Protein context (NP_001352465.1, residues 531-551): TPNQSPLSIR[Gly541Asp]SLFSARRSSR